The following is an entry in ClinVar:

NM_000051.4(ATM):c.6123G>A (p.Met2041Ile)

Genes: ATM (ATM serine/threonine kinase; plus strand), C11orf65 (chromosome 11 open reading frame 65; minus strand). Cytogenetic location: 11q22.3.
Variant type: single nucleotide variant.
Coding change: c.6123G>A on transcript NM_000051.4 (MANE Select); coding-DNA position 6123, G replaced by A.
Protein change: p.Met2041Ile; replaces methionine 2041 with isoleucine.
Molecular consequence: missense variant. On other transcripts: intron variant (2).
Genome position (GRCh38, 1-based): chr11:108,316,038, G>A. VCF-style: chr11-108316038-G-A. GRCh37 (hg19) VCF-style: chr11-108186765-G-A.
Other names: c.6123G>A, p.Met2041Ile (NM_001351834.2); c.641-6967C>T (NM_001330368.2); c.*39-6967C>T (NM_001351110.2); short protein forms M2041I.
Identifiers: ClinVar variation 826192 (VCV000826192.10), dbSNP rs1555113740, ClinGen allele CA382550430.
Genomic context (GRCh38, chr11:108,316,038, plus strand): 5'-ACCCAAAGCTATTTTCACAATCTTTTCTTATAGACTACGAACATATGAACACGAAGCAAT[G>A]TGGGGCAAAGCCCTAGTAACATATGACCTCGAAACAGCAATCCCCTCATCAACACGCCAG-3'
Protein context (NP_000042.3, residues 2031-2051): TRLRTYEHEA[Met2041Ile]WGKALVTYDL

ClinVar aggregate classification (germline): Conflicting classifications of pathogenicity. Review status: criteria provided, conflicting classifications (1 of 4 stars). 2 submissions from 2 submitters: Uncertain significance (1); Likely benign (1). Last evaluated 2025-06-22.

Conditions:
Hereditary cancer-predisposing syndrome. Also called: Tumor predisposition; Neoplastic Syndromes, Hereditary; Hereditary Cancer Syndrome; Hereditary neoplastic syndrome. Identifiers: Orphanet 140162, MedGen C0027672, MeSH D009386, MONDO:0015356.
Ataxia-telangiectasia syndrome (AT). Also called: ATAXIA-TELANGIECTASIA, COMPLEMENTATION GROUP A; ATAXIA-TELANGIECTASIA, FRESNO VARIANT; Ataxia-telangiectasia; Ataxia-telangiectasia, complementation group D; AT, COMPLEMENTATION GROUP C; Ataxia-telangiectasia, complementation group E. Identifiers: Orphanet 100, MedGen C0004135, MONDO:0008840, OMIM 208900.

gnomAD v4.1: 1 of 1,614,168 alleles (0.000062%); no homozygotes.

Submissions (2):

Labcorp Genetics (formerly Invitae), Labcorp
Classification: Uncertain significance for Ataxia-telangiectasia syndrome. Last evaluated: 2025-06-22. Review status: criteria provided, single submitter. Criteria: Invitae Variant Classification Sherloc (09022015). Collection method: clinical testing. Allele origin: germline.
Comment: This sequence change replaces methionine, which is neutral and non-polar, with isoleucine, which is neutral and non-polar, at codon 2041 of the ATM protein (p.Met2041Ile). This variant is not present in population databases (gnomAD no frequency). This variant has not been reported in the literature in individuals affected with ATM-related conditions. ClinVar contains an entry for this variant (Variation ID: 826192). Invitae Evidence Modeling of protein sequence and biophysical properties (such as structural, functional, and spatial information, amino acid conservation, physicochemical variation, residue mobility, and thermodynamic stability) indicates that this missense variant is not expected to disrupt ATM protein function with a negative predictive value of 95%. In summary, the available evidence is currently insufficient to determine the role of this variant in disease. Therefore, it has been classified as a Variant of Uncertain Significance.

Ambry Genetics
Classification: Likely benign for Hereditary cancer-predisposing syndrome. Last evaluated: 2025-03-20. Review status: criteria provided, single submitter. Criteria: Ambry Variant Classification Scheme 2023. Collection method: clinical testing. Allele origin: germline.